The following is an entry in ClinVar:

ClinVar aggregate classification (germline): Uncertain significance (1 of 4 stars; one submission).

Conditions:
Desmin-related myofibrillar myopathy (MFM1). Also called: Desminopathy; Desmin related myopathy (former name); Desmin storage myopathy (former name); MYOFIBRILLAR MYOPATHY WITH ARRHYTHMOGENIC RIGHT VENTRICULAR CARDIOMYOPATHY; DESMIN-RELATED MYOPATHY WITH ARRHYTHMOGENIC RIGHT VENTRICULAR CARDIOMYOPATHY; Myofibrillar myopathy 1. Identifiers: Orphanet 363543, Orphanet 98909, MedGen C1832370, MONDO:0011076, OMIM 601419.

Submission:

Labcorp Genetics (formerly Invitae), Labcorp
Classification: Uncertain significance for Desmin-related myofibrillar myopathy. Last evaluated: 2025-06-27. Review status: criteria provided, single submitter. Criteria: Invitae Variant Classification Sherloc (09022015). Collection method: clinical testing. Allele origin: germline.
Comment: This sequence change affects codon 458 of the DES mRNA. It is a 'silent' change, meaning that it does not change the encoded amino acid sequence of the DES protein. This variant is not present in population databases (gnomAD no frequency). This variant has not been reported in the literature in individuals affected with DES-related conditions. Algorithms developed to predict the effect of sequence changes on RNA splicing suggest that this variant may disrupt the consensus splice site. In summary, the available evidence is currently insufficient to determine the role of this variant in disease. Therefore, it has been classified as a Variant of Uncertain Significance.

NM_001927.4(DES):c.1374C>G (p.Val458=)

Gene: DES (desmin; plus strand). Cytogenetic location: 2q35.
Variant type: single nucleotide variant.
Coding change: c.1374C>G on transcript NM_001927.4 (MANE Select); coding-DNA position 1374, C replaced by G.
Protein change: p.Val458=; no amino-acid change (valine 458 retained).
Molecular consequence: synonymous variant. On other transcripts: intron variant (1).
Genome position (GRCh38, 1-based): chr2:219,425,951, C>G. VCF-style: chr2-219425951-C-G. GRCh37 (hg19) VCF-style: chr2-220290673-C-G.
Other names: c.1371C>G, p.Val457= (NM_001382708.1); c.942C>G, p.Val314= (NM_001382709.1); c.1305C>G, p.Val435= (NM_001382710.1); c.1353C>G, p.Val451= (NM_001382711.1); c.1104C>G, p.Val368= (NM_001382713.1); c.1371+206C>G (NM_001382712.1).
Identifiers: ClinVar variation 4785411 (VCV004785411.1).